The following is an entry in ClinVar:

NM_000089.4(COL1A2):c.133-15C>G

Gene: COL1A2 (collagen type I alpha 2 chain; plus strand). Cytogenetic location: 7q21.3.
Variant type: single nucleotide variant.
Coding change: c.133-15C>G on transcript NM_000089.4 (MANE Select); 15 bases into the intron before coding-DNA position 133, C replaced by G.
Molecular consequence: intron variant.
Genome position (GRCh38, 1-based): chr7:94,400,181, C>G. VCF-style: chr7-94400181-C-G. GRCh37 (hg19) VCF-style: chr7-94029493-C-G.
Identifiers: ClinVar variation 1414846 (VCV001414846.6), dbSNP rs992330364, ClinGen allele CA162907003.

ClinVar aggregate classification (germline): Uncertain significance (1 of 4 stars; one submission).

Conditions:
Ehlers-Danlos syndrome, classic type, 1 (EDSCL1). Also called: EHLERS-DANLOS SYNDROME, GRAVIS TYPE; EHLERS-DANLOS SYNDROME, SEVERE CLASSIC TYPE; Ehlers-Danlos syndrome, type 1; Ehlers-Danlos Syndrome, Classic Type, COL5A1-Related; EDS I. Identifiers: MedGen C0268335, MONDO:0019567, OMIM 130000.
Osteogenesis imperfecta type I (OI1). Also called: OI, TYPE I; OSTEOGENESIS IMPERFECTA TARDA; OSTEOGENESIS IMPERFECTA WITH BLUE SCLERAE; Osteogenesis imperfecta type 1; Lobstein's Disease; Lobstein disease. Identifiers: Orphanet 216796, Orphanet 666, MedGen C0023931, MONDO:0008146, OMIM 166200. Disease mechanism: loss of function.

Allele frequency attached by ClinVar (database versions not stated): gnomAD exomes below 0.00001 and 0.00001; TOPMed 0.00002; gnomAD 0.00001.
gnomAD v4.1: 9 of 1,613,284 alleles (0.00056%); highest among the groups gnomAD compares: Admixed American, 0.005%; no homozygotes.

Submission:

Labcorp Genetics (formerly Invitae), Labcorp
Classification: Uncertain significance for Osteogenesis imperfecta type I; Ehlers-Danlos syndrome, classic type, 1. Last evaluated: 2024-06-28. Review status: criteria provided, single submitter. Criteria: Invitae Variant Classification Sherloc (09022015). Collection method: clinical testing. Allele origin: germline.
Comment: This sequence change falls in intron 4 of the COL1A2 gene. It does not directly change the encoded amino acid sequence of the COL1A2 protein. This variant is present in population databases (no rsID available, gnomAD 0.0009%). This variant has not been reported in the literature in individuals affected with COL1A2-related conditions. ClinVar contains an entry for this variant (Variation ID: 1414846). Algorithms developed to predict the effect of sequence changes on RNA splicing suggest that this variant may create or strengthen a splice site. In summary, the available evidence is currently insufficient to determine the role of this variant in disease. Therefore, it has been classified as a Variant of Uncertain Significance.